The following is an entry in ClinVar:

ClinVar aggregate classification (germline): Uncertain significance (1 of 4 stars; one submission).

Conditions:
POLD1-related polyposis and colorectal cancer syndrome (CRCS10). Also called: Colorectal cancer 10; COLORECTAL CANCER, SUSCEPTIBILITY TO, ON CHROMOSOME 19q; Colorectal cancer, susceptibility to, 10. Identifiers: Orphanet 220460, MedGen C2675481, MONDO:0012953, OMIM 612591.

Submission:

Labcorp Genetics (formerly Invitae), Labcorp
Classification: Uncertain significance for POLD1-related polyposis and colorectal cancer syndrome. Last evaluated: 2022-05-30. Review status: criteria provided, single submitter. Criteria: Invitae Variant Classification Sherloc (09022015). Collection method: clinical testing. Allele origin: germline.
Comment: In summary, the available evidence is currently insufficient to determine the role of this variant in disease. Therefore, it has been classified as a Variant of Uncertain Significance. Algorithms developed to predict the effect of sequence changes on RNA splicing suggest that this variant may disrupt the consensus splice site. This variant has not been reported in the literature in individuals affected with POLD1-related conditions. This variant is not present in population databases (gnomAD no frequency). This sequence change affects a donor splice site in intron 7 of the POLD1 gene. Missense variants that disrupt the 3'-5' exonuclease (proof-reading) activity of the POLD1 protein are associated with an increased risk for colonic adenomatous polyps and colon cancer (PMID: 23263490, 23447401). However, loss-of-function variants that result in an absent or severely disrupted POLD1 protein, and missense variants outside the exonuclease domain, are unlikely to be associated with polyposis or colon cancer.

Literature cited by the submitters: PubMed 23263490; PubMed 23447401.

NM_002691.4(POLD1):c.840+1G>A

Gene: POLD1 (DNA polymerase delta 1, catalytic subunit; plus strand). Cytogenetic location: 19q13.33.
Variant type: single nucleotide variant.
Coding change: c.840+1G>A on transcript NM_002691.4 (MANE Select); the canonical splice donor site of the intron after coding-DNA position 840, G replaced by A.
Molecular consequence: splice donor variant.
Genome position (GRCh38, 1-based): chr19:50,402,536, G>A. VCF-style: chr19-50402536-G-A. GRCh37 (hg19) VCF-style: chr19-50905793-G-A.
Other names: c.840+1G>A (NM_001256849.1, NM_001308632.1).
Identifiers: ClinVar variation 2001039 (VCV002001039.4), dbSNP rs2122252083, ClinGen allele CA406975168.